The following is an entry in ClinVar:

NM_001042432.2(CLN3):c.497A>G (p.Glu166Gly)

Gene: CLN3 (CLN3 lysosomal/endosomal transmembrane protein, battenin; minus strand). Cytogenetic location: 16p12.1.
Variant type: single nucleotide variant.
Coding change: c.497A>G on transcript NM_001042432.2 (MANE Select); coding-DNA position 497, A replaced by G.
Protein change: p.Glu166Gly; replaces glutamic acid 166 with glycine.
Molecular consequence: missense variant.
Genome position (GRCh38, 1-based): chr16:28,486,614, T>C on the plus strand (A>G on the coding strand, the complement: CLN3 is on the minus strand). VCF-style: chr16-28486614-T-C. GRCh37 (hg19) VCF-style: chr16-28497935-T-C.
Other names: c.497A>G, p.Glu166Gly (NM_000086.2); c.425A>G, p.Glu142Gly (NM_001286104.2); c.197A>G, p.Glu66Gly (NM_001286105.2); c.263A>G, p.Glu88Gly (NM_001286109.2); c.335A>G, p.Glu112Gly (NM_001286110.2); short protein forms E166G, E88G, E142G, E112G, E66G.
Identifiers: ClinVar variation 1377053 (VCV001377053.5), dbSNP rs2141712916, ClinGen allele CA395345686.
Genomic context (GRCh38, chr16:28,486,614, plus strand): 5'-ACACTCCCTGCTCCACCTGCTTACCTGGGGTAGAAGGCAGTGAGGGAGAGGAAGGTGACC[T>C]CCCCAAGGCCTGATGAGATGCTAGCGAAGACCACACCTGGGGGGAGGACAAGCACTGGGA-3'
Protein context (NP_001035897.1, residues 156-176): VFASISSGLG[Glu166Gly]VTFLSLTAFY

ClinVar aggregate classification (germline): Uncertain significance (1 of 4 stars; one submission).

Conditions:
Neuronal ceroid lipofuscinosis. Also called: Neuronal Ceroid Lipofuscinoses. Identifiers: Orphanet 216, Orphanet 79263, MedGen C0027877, MONDO:0016295. Disease mechanism: loss of function.

Allele frequency attached by ClinVar (database versions not stated): gnomAD exomes below 0.00001.
gnomAD v4.1: 1 of 1,611,224 alleles (0.000062%); highest among the groups gnomAD compares: African/African-American, 0.0013%; no homozygotes.

Submission:

Labcorp Genetics (formerly Invitae), Labcorp
Classification: Uncertain significance for Neuronal ceroid lipofuscinosis. Last evaluated: 2021-09-02. Review status: criteria provided, single submitter. Criteria: Invitae Variant Classification Sherloc (09022015). Collection method: clinical testing. Allele origin: germline.
Comment: This sequence change replaces glutamic acid with glycine at codon 166 of the CLN3 protein (p.Glu166Gly). The glutamic acid residue is highly conserved and there is a moderate physicochemical difference between glutamic acid and glycine. This variant is not present in population databases (ExAC no frequency). This variant has not been reported in the literature in individuals affected with CLN3-related conditions. Algorithms developed to predict the effect of missense changes on protein structure and function (SIFT, PolyPhen-2, Align-GVGD) all suggest that this variant is likely to be disruptive. In summary, the available evidence is currently insufficient to determine the role of this variant in disease. Therefore, it has been classified as a Variant of Uncertain Significance.